The following is an entry in ClinVar:

NM_014140.4(SMARCAL1):c.1529A>G (p.Asn510Ser)

Gene: SMARCAL1 (SNF2 related chromatin remodeling annealing helicase 1; plus strand). Cytogenetic location: 2q35.
Variant type: single nucleotide variant.
Coding change: c.1529A>G on transcript NM_014140.4 (MANE Select); coding-DNA position 1529, A replaced by G.
Protein change: p.Asn510Ser; replaces asparagine 510 with serine.
Molecular consequence: missense variant.
Genome position (GRCh38, 1-based): chr2:216,435,381, A>G. VCF-style: chr2-216435381-A-G. GRCh37 (hg19) VCF-style: chr2-217300104-A-G.
Other names: c.1529A>G, p.Asn510Ser (NM_001127207.2); short protein forms N510S.
Identifiers: ClinVar variation 1502280 (VCV001502280.3), dbSNP rs772559717, ClinGen allele CA2097914.

ClinVar aggregate classification (germline): Uncertain significance (1 of 4 stars; one submission).

Conditions:
Schimke immuno-osseous dysplasia (SIOD). Also called: Schimke Immunoosseous Dysplasia. Identifiers: Orphanet 1830, MedGen C0877024, MONDO:0009458, OMIM 242900.

Allele frequency attached by ClinVar (database versions not stated): gnomAD exomes below 0.00001; ExAC 0.00001.
gnomAD v4.1: 5 of 1,614,176 alleles (0.00031%); highest among the groups gnomAD compares: South Asian, 0.0044%; no homozygotes.

Submission:

Labcorp Genetics (formerly Invitae), Labcorp
Classification: Uncertain significance for Schimke immuno-osseous dysplasia. Last evaluated: 2021-11-05. Review status: criteria provided, single submitter. Criteria: Invitae Variant Classification Sherloc (09022015). Collection method: clinical testing. Allele origin: germline.
Comment: This sequence change replaces asparagine, which is neutral and polar, with serine, which is neutral and polar, at codon 510 of the SMARCAL1 protein (p.Asn510Ser). This variant is present in population databases (rs772559717, gnomAD 0.003%). This variant has not been reported in the literature in individuals affected with SMARCAL1-related conditions. Algorithms developed to predict the effect of missense changes on protein structure and function are either unavailable or do not agree on the potential impact of this missense change (SIFT: "Tolerated"; PolyPhen-2: "Probably Damaging"; Align-GVGD: "Class C0"). In summary, the available evidence is currently insufficient to determine the role of this variant in disease. Therefore, it has been classified as a Variant of Uncertain Significance.